The following is an entry in ClinVar:

NM_022835.3(PLEKHG2):c.3324T>C (p.Gly1108=)

Gene: PLEKHG2 (pleckstrin homology and RhoGEF domain containing G2; plus strand). Cytogenetic location: 19q13.2.
Variant type: single nucleotide variant.
Coding change: c.3324T>C on transcript NM_022835.3 (MANE Select); coding-DNA position 3324, T replaced by C.
Protein change: p.Gly1108=; no amino-acid change (glycine 1108 retained).
Molecular consequence: synonymous variant. On other transcripts: intron variant (1).
Genome position (GRCh38, 1-based): chr19:39,424,457, T>C. VCF-style: chr19-39424457-T-C. GRCh37 (hg19) VCF-style: chr19-39915097-T-C.
Other names: c.3147T>C, p.Gly1049= (NM_001351693.2); c.1678-781T>C (NM_001351694.2).
Identifiers: ClinVar variation 3051852 (VCV003051852.4), dbSNP rs560255011, ClinGen allele CA9429967.

ClinVar aggregate classification (germline): Benign. Review status: criteria provided, single submitter (1 of 4 stars). 2 submissions from 2 submitters: Benign (1). 1 of the submissions does not count toward it. Last evaluated 2024-05-23.

Conditions:
PLEKHG2-related disorder. Also called: PLEKHG2-related condition.

Allele frequency attached by ClinVar (database versions not stated): TOPMed 0.00002; gnomAD 0.00007; gnomAD exomes 0.00014; 1000 Genomes Project 30x 0.00031; 1000 Genomes Project 0.00040; ExAC 0.00044.
gnomAD v4.1: 216 of 1,613,958 alleles (0.013%); highest among the groups gnomAD compares: South Asian, 0.22%; 1 homozygote.

Submissions (2):

Labcorp Genetics (formerly Invitae), Labcorp
Classification: Benign. Last evaluated: 2024-05-23. Review status: criteria provided, single submitter. Criteria: Invitae Variant Classification Sherloc (09022015). Collection method: clinical testing. Allele origin: germline.

PreventionGenetics, part of Exact Sciences
Classification: Likely benign for PLEKHG2-related condition. Last evaluated: 2019-03-27. Review status: no assertion criteria provided. Collection method: clinical testing. Allele origin: germline. Not counted in ClinVar's aggregate classification.
Comment: This variant is classified as likely benign based on ACMG/AMP sequence variant interpretation guidelines (Richards et al. 2015 PMID: 25741868, with internal and published modifications).